The following is an entry in ClinVar:

NM_016562.4(TLR7):c.2908G>A (p.Ala970Thr)

Gene: TLR7 (toll like receptor 7; plus strand). Cytogenetic location: Xp22.2.
Variant type: single nucleotide variant.
Coding change: c.2908G>A on transcript NM_016562.4 (MANE Select); coding-DNA position 2908, G replaced by A.
Protein change: p.Ala970Thr; replaces alanine 970 with threonine.
Molecular consequence: missense variant.
Genome position (GRCh38, 1-based): chrX:12,888,416, G>A. VCF-style: chrX-12888416-G-A. GRCh37 (hg19) VCF-style: chrX-12906535-G-A.
Other names: short protein forms A970T.
Identifiers: ClinVar variation 1997041 (VCV001997041.4), dbSNP rs1234489564, ClinGen allele CA412411846.

ClinVar aggregate classification (germline): Uncertain significance (1 of 4 stars; one submission).

Allele frequency attached by ClinVar (database versions not stated): gnomAD exomes below 0.00001; gnomAD 0.00001; TOPMed 0.00001.
gnomAD v4.1: 3 of 1,210,330 alleles (0.00025%); highest among the groups gnomAD compares: Admixed American, 0.0022%; no homozygotes.

Submission:

Labcorp Genetics (formerly Invitae), Labcorp
Classification: Uncertain significance. Last evaluated: 2022-07-16. Review status: criteria provided, single submitter. Criteria: Invitae Variant Classification Sherloc (09022015). Collection method: clinical testing. Allele origin: germline.
Comment: This sequence change replaces alanine, which is neutral and non-polar, with threonine, which is neutral and polar, at codon 970 of the TLR7 protein (p.Ala970Thr). This variant is not present in population databases (gnomAD no frequency). This variant has not been reported in the literature in individuals affected with TLR7-related conditions. Algorithms developed to predict the effect of missense changes on protein structure and function are either unavailable or do not agree on the potential impact of this missense change (SIFT: "Tolerated"; PolyPhen-2: "Possibly Damaging"; Align-GVGD: "Class C0"). In summary, the available evidence is currently insufficient to determine the role of this variant in disease. Therefore, it has been classified as a Variant of Uncertain Significance.